The following is an entry in ClinVar:

NM_002335.4(LRP5):c.221A>G (p.Lys74Arg)

Gene: LRP5 (LDL receptor related protein 5; plus strand). Cytogenetic location: 11q13.2.
Variant type: single nucleotide variant.
Coding change: c.221A>G on transcript NM_002335.4 (MANE Select); coding-DNA position 221, A replaced by G.
Protein change: p.Lys74Arg; replaces lysine 74 with arginine.
Molecular consequence: missense variant. On other transcripts: 5 prime UTR variant (1).
Genome position (GRCh38, 1-based): chr11:68,347,976, A>G. VCF-style: chr11-68347976-A-G. GRCh37 (hg19) VCF-style: chr11-68115444-A-G.
Other names: c.-1545A>G (NM_001291902.2); c.221A>G (NM_002335.2); short protein forms K74R.
Identifiers: ClinVar variation 1387207 (VCV001387207.8), dbSNP rs1026656669, ClinGen allele CA224271047.

ClinVar aggregate classification (germline): Uncertain significance. Review status: criteria provided, multiple submitters, no conflicts (2 of 4 stars). 3 submissions from 3 submitters: Uncertain significance (3). Last evaluated 2025-08-07.

Conditions:
Inborn genetic diseases. Identifiers: MedGen C0950123, MeSH D030342.

Allele frequency attached by ClinVar (database versions not stated): gnomAD exomes below 0.00001; TOPMed below 0.00001.
gnomAD v4.1: 3 of 1,614,124 alleles (0.00019%); highest among the groups gnomAD compares: Admixed American, 0.0017%; no homozygotes.

Submissions (3):

Ambry Genetics
Classification: Uncertain significance for Inborn genetic diseases. Last evaluated: 2025-08-07. Review status: criteria provided, single submitter. Criteria: Ambry Variant Classification Scheme 2023. Collection method: clinical testing. Allele origin: germline.

Labcorp Genetics (formerly Invitae), Labcorp
Classification: Uncertain significance. Last evaluated: 2024-04-15. Review status: criteria provided, single submitter. Criteria: Invitae Variant Classification Sherloc (09022015). Collection method: clinical testing. Allele origin: germline.
Comment: This sequence change replaces lysine, which is basic and polar, with arginine, which is basic and polar, at codon 74 of the LRP5 protein (p.Lys74Arg). This variant is present in population databases (no rsID available, gnomAD 0.003%). This variant has not been reported in the literature in individuals affected with LRP5-related conditions. ClinVar contains an entry for this variant (Variation ID: 1387207). Advanced modeling of protein sequence and biophysical properties (such as structural, functional, and spatial information, amino acid conservation, physicochemical variation, residue mobility, and thermodynamic stability) performed at Invitae indicates that this missense variant is not expected to disrupt LRP5 protein function with a negative predictive value of 95%. In summary, the available evidence is currently insufficient to determine the role of this variant in disease. Therefore, it has been classified as a Variant of Uncertain Significance.

Blueprint Genetics
Classification: Uncertain significance. Last evaluated: 2023-11-29. Review status: criteria provided, single submitter. Criteria: ACMG Guidelines, 2015. Collection method: clinical testing. Allele origin: germline.